The following is an entry in ClinVar:

ClinVar aggregate classification (germline): Pathogenic/Likely pathogenic. Review status: criteria provided, multiple submitters, no conflicts (2 of 4 stars). 5 submissions from 5 submitters: Pathogenic (4); Likely pathogenic (1). Last evaluated 2025-03-25.

Conditions:
Jeune thoracic dystrophy. Also called: Short-rib thoracic dysplasia; Jeune syndrome; Infantile thoracic dystrophy; Thoracic pelvic phalangeal dystrophy; Jeune's syndrome; Chondroectodermal dysplasia-like syndrome. Identifiers: Orphanet 474, MedGen C0265275, MONDO:0018770.
Asphyxiating thoracic dystrophy 3. Also called: Saldino-Noonan Syndrome; SHORT-RIB THORACIC DYSPLASIA 3 WITH OR WITHOUT POLYDACTYLY; POLYDACTYLY WITH NEONATAL CHONDRODYSTROPHY, TYPE I; SHORT-RIB THORACIC DYSPLASIA 3/6 WITH POLYDACTYLY, DIGENIC; Short rib polydactyly syndrome 2B. Identifiers: Orphanet 474, Orphanet 93269, Orphanet 93270, Orphanet 93271, MedGen C0036069, MONDO:0013127, OMIM 613091.
DYNC2H1-related disorder. Also called: DYNC2H1-related condition; DYNC2H1-related disorders. Identifiers: MedGen CN378770.

gnomAD v4.1: 5 of 1,612,308 alleles (0.00031%); highest among the groups gnomAD compares: Non-Finnish European, 0.00042%; no homozygotes.

Submissions (5):

PreventionGenetics, part of Exact Sciences
Classification: Likely pathogenic for DYNC2H1-related condition. Last evaluated: 2025-03-25. Review status: criteria provided, single submitter. Criteria: ACMG Guidelines, 2015. Collection method: clinical testing. Allele origin: germline.
Comment: The DYNC2H1 c.12483G>A variant is predicted to result in premature protein termination (p.Trp4161*). To our knowledge, this variant has not been reported in the literature. This variant is reported in 0.00078% of alleles in individuals of European (Non-Finnish) descent in gnomAD. Nonsense variants in DYNC2H1 are expected to be pathogenic. This variant is interpreted as likely pathogenic.

Myriad Genetics, Inc.
Classification: Pathogenic for Asphyxiating thoracic dystrophy 3. Last evaluated: 2024-05-29. Review status: criteria provided, single submitter. Criteria: Myriad Autosomal Dominant, Autosomal Recessive and X-Linked Classification Criteria (2023). Collection method: clinical testing. Allele origin: unknown.
Comment: NM_001377.2(DYNC2H1):c.12462G>A(W4154*) is expected to be pathogenic in the context of DYNC2H1-related disorders. This variant is predicted to lead to an abnormal or absent protein product due to the creation of a premature termination codon in DYNC2H1, a gene where loss-of-function variants are known to be pathogenic. Please note: this variant was assessed in the context of healthy population screening.

Labcorp Genetics (formerly Invitae), Labcorp
Classification: Pathogenic for Jeune thoracic dystrophy. Last evaluated: 2023-12-28. Review status: criteria provided, single submitter. Criteria: Invitae Variant Classification Sherloc (09022015). Collection method: clinical testing. Allele origin: germline.
Comment: This sequence change creates a premature translational stop signal (p.Trp4161*) in the DYNC2H1 gene. It is expected to result in an absent or disrupted protein product. Loss-of-function variants in DYNC2H1 are known to be pathogenic (PMID: 23339108, 32753734, 33755199). This variant is present in population databases (no rsID available, gnomAD 0.0009%). This variant has not been reported in the literature in individuals affected with DYNC2H1-related conditions. ClinVar contains an entry for this variant (Variation ID: 1803487). For these reasons, this variant has been classified as Pathogenic.

Women's Health and Genetics/Laboratory Corporation of America, LabCorp
Classification: Pathogenic for Asphyxiating thoracic dystrophy 3. Last evaluated: 2023-12-14. Review status: criteria provided, single submitter. Criteria: LabCorp Variant Classification Summary - May 2015. Collection method: clinical testing. Allele origin: germline.
Comment: Variant summary: DYNC2H1 c.12483G>A (p.Trp4161X) results in a premature termination codon, predicted to cause a truncation of the encoded protein or absence of the protein due to nonsense mediated decay, which are commonly known mechanisms for disease. The frequency data for this variant in gnomAD is considered unreliable, as metrics indicate poor data quality at this position. To our knowledge, no occurrence of c.12483G>A in individuals affected with Short-rib thoracic dysplasia and no experimental evidence demonstrating its impact on protein function have been reported. One submitter has cited clinical-significance assessments for this variant to ClinVar after 2014 and has classified the variant as pathogenic. Based on the evidence outlined above, the variant was classified as pathogenic.

GeneDx
Classification: Pathogenic. Last evaluated: 2022-12-08. Review status: criteria provided, single submitter. Criteria: GeneDx Variant Classification Process June 2021. Collection method: clinical testing. Allele origin: germline. Affected: yes.
Comment: Nonsense variant predicted to result in protein truncation or nonsense mediated decay in a gene for which loss-of-function is a known mechanism of disease; Not observed at significant frequency in large population cohorts (gnomAD); Has not been previously published as pathogenic or benign to our knowledge

Literature cited by the submitters: PubMed 23339108 (cited by Labcorp Genetics (formerly Invitae), Labcorp); PubMed 32753734 (cited by Labcorp Genetics (formerly Invitae), Labcorp); PubMed 33755199 (cited by Labcorp Genetics (formerly Invitae), Labcorp).

NM_001377.3(DYNC2H1):c.12462G>A (p.Trp4154Ter)

Gene: DYNC2H1 (dynein cytoplasmic 2 heavy chain 1; plus strand). Cytogenetic location: 11q22.3.
Variant type: single nucleotide variant.
Coding change: c.12462G>A on transcript NM_001377.3 (MANE Select); coding-DNA position 12462, G replaced by A.
Protein change: p.Trp4154Ter; replaces tryptophan 4154 with a stop codon.
Molecular consequence: nonsense.
Genome position (GRCh38, 1-based): chr11:103,455,191, G>A. VCF-style: chr11-103455191-G-A. GRCh37 (hg19) VCF-style: chr11-103325919-G-A.
Other names: c.12483G>A, p.Trp4161Ter (NM_001080463.2); short protein forms W4154*, W4161*.
Identifiers: ClinVar variation 1803487 (VCV001803487.7), dbSNP rs1047872625, ClinGen allele CA227451789.
Genomic context (GRCh38, chr11:103,455,191, plus strand): 5'-TTAATTGACTTATAAGTGTGTGTGTATTTATATGTTCATATTTCCCCCCCTCTAGAACTG[G>A]GTAGATAAAGCTGAAAAACAGGCTCTTCTCTCTGAAACACTTGACCTATCAGAACTTTTC-3'